The following is an entry in ClinVar:

ClinVar aggregate classification (germline): Uncertain significance (1 of 4 stars; one submission).

Conditions:
Mitochondrial DNA depletion syndrome 13. Also called: FBXL4-Related Encephalomyopathic Mitochondrial DNA Depletion Syndrome; Mitochondrial DNA depletion syndrome 13 (encephalomyopathic type). Identifiers: Orphanet 369897, MedGen C3809592, MONDO:0014198, OMIM 615471.

Allele frequency attached by ClinVar (database versions not stated): gnomAD exomes below 0.00001 and 0.00001; ExAC 0.00001.
gnomAD v4.1: 2 of 1,614,012 alleles (0.00012%); highest among the groups gnomAD compares: Admixed American, 0.0033%; no homozygotes.

Submission:

Wong Mito Lab, Molecular and Human Genetics, Baylor College of Medicine
Classification: Uncertain significance for Mitochondrial DNA depletion syndrome 13. Last evaluated: 2017-08-10. Review status: criteria provided, single submitter. Criteria: ACMG Guidelines, 2015. Collection method: reference population. Allele origin: germline.
Comment: The NM_012160.4:c.201T>G (NP_036292.2:p.Ser67Arg) [GRCH38: NC_000006.12:g.98926788A>C] variant in FBXL4 gene is interpretated to be a Uncertain Significance - Insufficient Evidence based on ACMG guidelines (PMID: 25741868). This variant meets one or more of the following evidence codes reported in the ACMG-guideline. PM2:This variant is absent in key population databases. Based on this evidence code ClinGen Pathogenicity Calculator (PMID:28081714) suggested that the variant is Uncertain Significance - Insufficient Evidence.

NM_001278716.2(FBXL4):c.201T>G (p.Ser67Arg)

Gene: FBXL4 (F-box and leucine rich repeat protein 4; minus strand). Cytogenetic location: 6q16.2.
Variant type: single nucleotide variant.
Coding change: c.201T>G on transcript NM_001278716.2 (MANE Select); coding-DNA position 201, T replaced by G.
Protein change: p.Ser67Arg; replaces serine 67 with arginine.
Molecular consequence: missense variant. On other transcripts: non-coding transcript variant (2).
Genome position (GRCh38, 1-based): chr6:98,926,788, A>C on the plus strand (T>G on the coding strand, the complement: FBXL4 is on the minus strand). VCF-style: chr6-98926788-A-C. GRCh37 (hg19) VCF-style: chr6-99374664-A-C.
Other names: c.201T>G, p.Ser67Arg (NM_012160.5); short protein forms S67R.
Identifiers: ClinVar variation 437550 (VCV000437550.1), dbSNP rs762217448, ClinGen allele CA3933721.
Genomic context (GRCh38, chr6:98,926,788, plus strand): 5'-ACTTGGGAATACATTTGGTACACCAGCCAAATTCCACATAGTATAGGACATACTATTCTC[A>C]CTTCCATAATGGGAACTGAAATCCACTACTTCTTTGGCATACTGGACTACCTCTGCATTG-3'
Protein context (NP_001265645.1, residues 57-77): EVVDFSSHYG[Ser67Arg]ENSMSYTMWN